The following is an entry in ClinVar:

ClinVar aggregate classification (germline): Uncertain significance (1 of 4 stars; one submission).

Conditions:
Succinate-semialdehyde dehydrogenase deficiency (SSADHD). Also called: Succinic Semialdehyde Dehydrogenase Deficiency; 4-HYDROXYBUTYRIC ACIDURIA; SSADH DEFICIENCY; GABA METABOLIC DEFECT. Identifiers: Orphanet 22, MedGen C0268631, MONDO:0010083, OMIM 271980.

Submission:

Labcorp Genetics (formerly Invitae), Labcorp
Classification: Uncertain significance for Succinate-semialdehyde dehydrogenase deficiency. Last evaluated: 2022-11-22. Review status: criteria provided, single submitter. Criteria: Invitae Variant Classification Sherloc (09022015). Collection method: clinical testing. Allele origin: germline.
Comment: In summary, the available evidence is currently insufficient to determine the role of this variant in disease. Therefore, it has been classified as a Variant of Uncertain Significance. Advanced modeling of protein sequence and biophysical properties (such as structural, functional, and spatial information, amino acid conservation, physicochemical variation, residue mobility, and thermodynamic stability) has been performed at Invitae for this missense variant, however the output from this modeling did not meet the statistical confidence thresholds required to predict the impact of this variant on ALDH5A1 protein function. This sequence change replaces isoleucine, which is neutral and non-polar, with phenylalanine, which is neutral and non-polar, at codon 478 of the ALDH5A1 protein (p.Ile478Phe). This variant is not present in population databases (gnomAD no frequency). This variant has not been reported in the literature in individuals affected with ALDH5A1-related conditions.

NM_001080.3(ALDH5A1):c.1432A>T (p.Ile478Phe)

Gene: ALDH5A1 (aldehyde dehydrogenase 5 family member A1; plus strand). Cytogenetic location: 6p22.3.
Variant type: single nucleotide variant.
Coding change: c.1432A>T on transcript NM_001080.3 (MANE Select); coding-DNA position 1432, A replaced by T.
Protein change: p.Ile478Phe; replaces isoleucine 478 with phenylalanine.
Molecular consequence: missense variant.
Genome position (GRCh38, 1-based): chr6:24,533,536, A>T. VCF-style: chr6-24533536-A-T. GRCh37 (hg19) VCF-style: chr6-24533764-A-T.
Other names: c.1288A>T, p.Ile430Phe (NM_001368954.1); c.1471A>T, p.Ile491Phe (NM_170740.1); short protein forms I430F, I478F, I491F.
Identifiers: ClinVar variation 1715813 (VCV001715813.5), dbSNP rs1759976983, ClinGen allele CA362967438.